The following is an entry in ClinVar:

ClinVar aggregate classification (germline): Uncertain significance. Review status: criteria provided, multiple submitters, no conflicts (2 of 4 stars). 5 submissions from 5 submitters: Uncertain significance (5). Last evaluated 2022-06-20.

Conditions:
Immunodeficiency 18 (IMD18). Also called: CD3-EPSILON DEFICIENCY; CD3epsilon deficiency. Identifiers: MedGen C3810127, MONDO:0014278, OMIM 615615.

Allele frequency attached by ClinVar (database versions not stated): gnomAD exomes 0.00006 and 0.00038; ExAC 0.00007; ESP Exome Variant Server 0.00008; gnomAD 0.00010 and 0.00011; TOPMed 0.00011.
gnomAD v4.1: 552 of 1,613,276 alleles (0.034%); highest among the groups gnomAD compares: Non-Finnish European, 0.046%; no homozygotes.

Submissions (5):

Labcorp Genetics (formerly Invitae), Labcorp
Classification: Uncertain significance for Immunodeficiency 18. Last evaluated: 2022-06-20. Review status: criteria provided, single submitter. Criteria: Invitae Variant Classification Sherloc (09022015). Collection method: clinical testing. Allele origin: germline.
Comment: This sequence change replaces glycine, which is neutral and non-polar, with serine, which is neutral and polar, at codon 194 of the CD3E protein (p.Gly194Ser). This variant is present in population databases (rs141553540, gnomAD 0.01%). This variant has not been reported in the literature in individuals affected with CD3E-related conditions. ClinVar contains an entry for this variant (Variation ID: 302664). Algorithms developed to predict the effect of missense changes on protein structure and function (SIFT, PolyPhen-2, Align-GVGD) all suggest that this variant is likely to be disruptive. In summary, the available evidence is currently insufficient to determine the role of this variant in disease. Therefore, it has been classified as a Variant of Uncertain Significance.

Blueprint Genetics
Classification: Uncertain significance. Last evaluated: 2022-03-14. Review status: criteria provided, single submitter. Criteria: ACMG Guidelines, 2015. Collection method: clinical testing. Allele origin: germline.

Center for Genomics, Ann and Robert H. Lurie Children's Hospital of Chicago
Classification: Uncertain significance for Immunodeficiency 18. Last evaluated: 2021-03-30. Review status: criteria provided, single submitter. Criteria: ACMG Guidelines, 2015. Collection method: clinical testing. Allele origin: germline.
Comment: CD3E NM_000733.3 exon 9 p.Gly194Ser (c.580G>A): This variant has not been reported in the literature but is present in 0.01% (13/127910) of European alleles in the Genome Aggregation Database. This variant is present in ClinVar (Variation ID:302664). Evolutionary conservation and computational predictive tools suggest that this variant may impact the protein. In summary, data on this variant is insufficient for disease classification. Therefore, the clinical significance of this variant is uncertain.

Illumina Laboratory Services, Illumina
Classification: Uncertain significance for Immunodeficiency 18. Last evaluated: 2018-01-13. Review status: criteria provided, single submitter. Criteria: ICSL Variant Classification Criteria 13 December 2019. Collection method: clinical testing. Allele origin: germline.

ARUP Laboratories, Molecular Genetics and Genomics, ARUP Laboratories
Classification: Uncertain significance. Review status: criteria provided, single submitter. Criteria: ARUP Molecular Germline Variant Investigation Process 2024. Collection method: clinical testing. Allele origin: germline.

NM_000733.4(CD3E):c.580G>A (p.Gly194Ser)

Gene: CD3E (CD3 epsilon subunit of T-cell receptor complex; plus strand). Cytogenetic location: 11q23.3.
Variant type: single nucleotide variant.
Coding change: c.580G>A on transcript NM_000733.4 (MANE Select); coding-DNA position 580, G replaced by A.
Protein change: p.Gly194Ser; replaces glycine 194 with serine.
Molecular consequence: missense variant.
Genome position (GRCh38, 1-based): chr11:118,315,498, G>A. VCF-style: chr11-118315498-G-A. GRCh37 (hg19) VCF-style: chr11-118186213-G-A.
Other names: short protein forms G194S.
Identifiers: ClinVar variation 302664 (VCV000302664.12), dbSNP rs141553540, ClinGen allele CA6301812.